The following is an entry in ClinVar:

ClinVar aggregate classification (germline): Uncertain significance. Review status: criteria provided, multiple submitters, no conflicts (2 of 4 stars). 2 submissions from 2 submitters: Uncertain significance (2). Last evaluated 2024-11-14.

Conditions:
Hereditary cancer-predisposing syndrome. Also called: Tumor predisposition; Hereditary neoplastic syndrome; Neoplastic Syndromes, Hereditary; Hereditary Cancer Syndrome. Identifiers: Orphanet 140162, MedGen C0027672, MeSH D009386, MONDO:0015356.

Allele frequency attached by ClinVar (database versions not stated): gnomAD exomes 0.00001.
gnomAD v4.1: 5 of 1,613,990 alleles (0.00031%); highest among the groups gnomAD compares: Non-Finnish European, 0.00042%; no homozygotes.

Submissions (2):

Ambry Genetics
Classification: Uncertain significance for Hereditary cancer-predisposing syndrome. Last evaluated: 2024-11-14. Review status: criteria provided, single submitter. Criteria: Ambry Variant Classification Scheme 2023. Collection method: clinical testing. Allele origin: germline.
Comment: The p.F233Y variant (also known as c.698T>A), located in coding exon 6 of the SMARCB1 gene, results from a T to A substitution at nucleotide position 698. The phenylalanine at codon 233 is replaced by tyrosine, an amino acid with highly similar properties. This amino acid position is highly conserved in available vertebrate species. In addition, the in silico prediction for this alteration is inconclusive. Based on the available evidence, the clinical significance of this variant remains unclear.

Labcorp Genetics (formerly Invitae), Labcorp
Classification: Uncertain significance. Last evaluated: 2023-07-30. Review status: criteria provided, single submitter. Criteria: Invitae Variant Classification Sherloc (09022015). Collection method: clinical testing. Allele origin: germline.
Comment: In summary, the available evidence is currently insufficient to determine the role of this variant in disease. Therefore, it has been classified as a Variant of Uncertain Significance. Advanced modeling of protein sequence and biophysical properties (such as structural, functional, and spatial information, amino acid conservation, physicochemical variation, residue mobility, and thermodynamic stability) performed at Invitae indicates that this missense variant is expected to disrupt SMARCB1 protein function. ClinVar contains an entry for this variant (Variation ID: 2172231). This variant has not been reported in the literature in individuals affected with SMARCB1-related conditions. This variant is not present in population databases (gnomAD no frequency). This sequence change replaces phenylalanine, which is neutral and non-polar, with tyrosine, which is neutral and polar, at codon 233 of the SMARCB1 protein (p.Phe233Tyr).

NM_003073.5(SMARCB1):c.698T>A (p.Phe233Tyr)

Gene: SMARCB1 (SWI/SNF related BAF chromatin remodeling complex subunit B1; plus strand). Cytogenetic location: 22q11.23.
Variant type: single nucleotide variant.
Coding change: c.698T>A on transcript NM_003073.5 (MANE Select); coding-DNA position 698, T replaced by A.
Protein change: p.Phe233Tyr; replaces phenylalanine 233 with tyrosine.
Molecular consequence: missense variant.
Genome position (GRCh38, 1-based): chr22:23,816,839, T>A. VCF-style: chr22-23816839-T-A. GRCh37 (hg19) VCF-style: chr22-24159026-T-A.
Other names: c.671T>A, p.Phe224Tyr (NM_001007468.3); c.725T>A, p.Phe242Tyr (NM_001317946.2); c.752T>A, p.Phe251Tyr (NM_001362877.2); short protein forms F233Y, F251Y, F242Y, F224Y.
Identifiers: ClinVar variation 2172231 (VCV002172231.5), dbSNP rs2146009845, ClinGen allele CA410901397.